The following is an entry in ClinVar:

ClinVar aggregate classification (germline): Benign/Likely benign. Review status: criteria provided, multiple submitters, no conflicts (2 of 4 stars). 4 submissions from 4 submitters: Benign (1); Likely benign (3). Last evaluated 2026-06-23.

Conditions:
Inborn genetic diseases. Identifiers: MedGen C0950123, MeSH D030342.
FGFR3-related chondrodysplasia. Identifiers: Orphanet 93420, MedGen C5681604, MONDO:0019685.

Allele frequency attached by ClinVar (database versions not stated): gnomAD 0.00008 and 0.00009; ExAC 0.00015; TOPMed 0.00019; 1000 Genomes Project 30x 0.00031; 1000 Genomes Project 0.00040; gnomAD exomes 0.00024.
gnomAD v4.1: 76 of 1,549,932 alleles (0.0049%); highest among the groups gnomAD compares: East Asian, 0.11%; no homozygotes.

Submissions (4):

Genomenon, Inc
Classification: Likely benign for FGFR3-related chondrodysplasia. Last evaluated: 2026-06-23. Review status: criteria provided, single submitter. Criteria: Genomenon Sequence Variant Interpretation Standards - Updated. Collection method: curation. Allele origin: germline. Affected: no.
Comment: FGFR3 p.Ala429Thr (c.1285G>A) is a missense variant that changes the amino acid at codon 429 from Alanine to Threonine. This variant has been reported in the published literature (PMID:38326996). In silico models predict that this variant is not damaging. This variant’s allele frequency in gnomAD is greater than expected for this disorder. In conclusion, we classify FGFR3 p.Ala429Thr (c.1285G>A) as a likely benign variant.

Labcorp Genetics (formerly Invitae), Labcorp
Classification: Likely benign. Last evaluated: 2025-07-31. Review status: criteria provided, single submitter. Criteria: Invitae Variant Classification Sherloc (09022015). Collection method: clinical testing. Allele origin: germline.

Ambry Genetics
Classification: Likely benign for Inborn genetic diseases. Last evaluated: 2022-02-04. Review status: criteria provided, single submitter. Criteria: Ambry Variant Classification Scheme 2023. Collection method: clinical testing. Allele origin: germline.

GeneDx
Classification: Benign. Last evaluated: 2020-02-24. Review status: criteria provided, single submitter. Criteria: GeneDx Variant Classification Process June 2021. Collection method: clinical testing. Allele origin: germline. Affected: yes.

Literature cited by the submitters: PubMed 38326996 (cited by Genomenon, Inc).

NM_000142.5(FGFR3):c.1285G>A (p.Ala429Thr)

Gene: FGFR3 (fibroblast growth factor receptor 3; plus strand). Cytogenetic location: 4p16.3.
Variant type: single nucleotide variant.
Coding change: c.1285G>A on transcript NM_000142.5 (MANE Select); coding-DNA position 1285, G replaced by A.
Protein change: p.Ala429Thr; replaces alanine 429 with threonine.
Molecular consequence: missense variant. On other transcripts: non-coding transcript variant (1).
Genome position (GRCh38, 1-based): chr4:1,804,842, G>A. VCF-style: chr4-1804842-G-A. GRCh37 (hg19) VCF-style: chr4-1806569-G-A.
Other names: c.1291G>A, p.Ala431Thr (NM_001163213.2); c.1288G>A, p.Ala430Thr (NM_001354809.2, NM_001354810.2); c.949G>A, p.Ala317Thr (NM_022965.4); short protein forms A317T, A429T, A430T, A431T.
Identifiers: ClinVar variation 1252306 (VCV001252306.12), dbSNP rs182935140, ClinGen allele CA2810360.